The following is an entry in ClinVar:

ClinVar aggregate classification (germline): Conflicting classifications of pathogenicity. Review status: criteria provided, conflicting classifications (1 of 4 stars). 4 submissions from 4 submitters: Uncertain significance (2); Likely benign (1). 1 of the submissions does not count toward it. Last evaluated 2024-02-26.

Conditions:
Retinitis pigmentosa 39 (RP39). Identifiers: Orphanet 791, MedGen C3151138, MONDO:0013436, OMIM 613809.
Usher syndrome type 2A. Also called: USHER SYNDROME, TYPE IIA; RETINAL DISEASE IN USHER SYNDROME TYPE IIA, MODIFIER OF. Identifiers: Orphanet 231178, Orphanet 886, MedGen C1848634, MONDO:0010169, OMIM 276901.

Allele frequency attached by ClinVar (database versions not stated): gnomAD 0.00001; gnomAD exomes 0.00001; ExAC 0.00002; TOPMed 0.00004.
gnomAD v4.1: 23 of 1,614,108 alleles (0.0014%); highest among the groups gnomAD compares: East Asian, 0.0067%; no homozygotes.

Submissions (4):

GeneDx
Classification: Uncertain significance. Last evaluated: 2024-02-26. Review status: criteria provided, single submitter. Criteria: GeneDx Variant Classification Process June 2021. Collection method: clinical testing. Allele origin: germline. Affected: yes.
Comment: Reported with additional USH2A variants (phase unknown) in a patient with retinitis pigmentosa in published literature (PMID: 24938718); Not observed at significant frequency in large population cohorts (gnomAD); In silico analysis supports that this missense variant does not alter protein structure/function; In silico analysis suggests this variant may impact gene splicing. In the absence of RNA/functional studies, the actual effect of this sequence change is unknown.; This variant is associated with the following publications: (PMID: 24938718)

Blueprint Genetics
Classification: Uncertain significance. Last evaluated: 2023-09-26. Review status: criteria provided, single submitter. Criteria: ACMG Guidelines, 2015. Collection method: clinical testing. Allele origin: germline.

Laboratory for Molecular Medicine, Mass General Brigham Personalized Medicine
Classification: Likely benign. Last evaluated: 2013-07-05. Review status: criteria provided, single submitter. Criteria: LMM Criteria. Collection method: clinical testing. Allele origin: germline. Observed: 1 variant allele.
Comment: Arg3941Gln in Exon 61 of USH2A: This variant is not expected to have clinical si gnificance because the Arg residue at position 3941 is not conserved in several species and megabat, tenrec, and sloth) have a glutamine (Gln) at this position despite high nearby amino acid conservation. In addition, computational analyses (biochemical amino acid properties, conservation, AlignGVGD, PolyPhen2) predict the variant will not impact the protein.

Counsyl
Classification: Uncertain significance for Usher syndrome type 2A; Retinitis pigmentosa 39. Last evaluated: 2018-01-08. Review status: no assertion criteria provided. Collection method: clinical testing. Allele origin: unknown. Not counted in ClinVar's aggregate classification.

Literature cited by the submitters: PubMed 24938718 (cited by Counsyl).

NM_206933.4(USH2A):c.11822G>A (p.Arg3941Gln)

Gene: USH2A (usherin; minus strand). Cytogenetic location: 1q41.
Variant type: single nucleotide variant.
Coding change: c.11822G>A on transcript NM_206933.4 (MANE Select); coding-DNA position 11822, G replaced by A.
Protein change: p.Arg3941Gln; replaces arginine 3941 with glutamine.
Molecular consequence: missense variant.
Genome position (GRCh38, 1-based): chr1:215,728,274, C>T on the plus strand (G>A on the coding strand, the complement: USH2A is on the minus strand). VCF-style: chr1-215728274-C-T. GRCh37 (hg19) VCF-style: chr1-215901616-C-T.
Other names: short protein forms R3941Q.
Identifiers: ClinVar variation 178977 (VCV000178977.8), dbSNP rs727504582, ClinGen allele CA183417.